The following is an entry in ClinVar:

NM_001378454.1(ALMS1):c.12115-8del

Genes: ALMS1 (ALMS1 centrosome and basal body associated protein; plus strand), LOC126806252 (BRD4-independent group 4 enhancer GRCh37_chr2:73828496-73829695; plus strand). Cytogenetic location: 2p13.1.
Variant type: Deletion.
Coding change: c.12115-8del on transcript NM_001378454.1 (MANE Select); 8 bases into the intron before coding-DNA position 12115, one base deleted (T; older notation c.12115-8delT).
Molecular consequence: intron variant.
Genome position (GRCh38, 1-based): chr2:73,602,177, T deleted; the last of 10 consecutive T bases (chr2:73,602,168-73,602,177); deleting any one gives the same sequence. VCF-style (leftmost placement, unchanged base first): chr2-73602167-CT-C. GRCh37 (hg19) VCF-style: chr2-73829294-CT-C.
Other names: NC_000002.11:g.73829304del; c.12115-8del (NM_015120.4); c.12118-8delT (NM_015120.4).
Identifiers: ClinVar variation 918102 (VCV000918102.12), dbSNP rs748193431, ClinGen allele CA1715453.

ClinVar aggregate classification (germline): Benign/Likely benign. Review status: criteria provided, multiple submitters, no conflicts (2 of 4 stars). 3 submissions from 3 submitters: Benign (2); Likely benign (1). Last evaluated 2026-02-01.

Conditions:
Alstrom syndrome (ALMS). Identifiers: Orphanet 64, MedGen C0268425, MONDO:0008763, OMIM 203800.

Submissions (8):

Labcorp Genetics (formerly Invitae), Labcorp
Classification: Benign for Alstrom syndrome. Last evaluated: 2026-02-01. Review status: criteria provided, single submitter. Criteria: Invitae Variant Classification Sherloc (09022015). Collection method: clinical testing. Allele origin: germline.

Blueprint Genetics
Classification: Likely benign. Last evaluated: 2024-11-22. Review status: criteria provided, single submitter. Criteria: ACMG Guidelines, 2015. Collection method: clinical testing. Allele origin: germline.

Women's Health and Genetics/Laboratory Corporation of America, LabCorp
Classification: Benign. Last evaluated: 2020-03-23. Review status: criteria provided, single submitter. Criteria: LabCorp Variant Classification Summary - May 2015. Collection method: clinical testing. Allele origin: germline.
Comment: Variant summary: ALMS1 c.12112-8delT involves the deletion of a non-conserved nucleotide located close to a canonical splice site and therefore could affect mRNA splicing, leading to a significantly altered protein sequence. 4/4 computational tools predict no significant impact on normal splicing. However, these predictions have yet to be confirmed by functional studies. The variant allele was found at a frequency of 0.0075 in 142384 control chromosomes (gnomAD). The observed variant frequency within control individuals in the gnomAD database is approximately 3.3-fold the estimated maximal expected allele frequency for a pathogenic variant in ALMS1 causing Cardiomyopathy phenotype (0.0022), strongly suggesting that the variant is a benign polymorphism. The variant has been reported in at least one individual with Alstrom Syndrome in the literature, however this individual was also homozygous for another reportedly pathogenic variant (ALMS1 c.9749C>A, p.Ser3250X), providing supporting evidence for a benign role (e.g. Tasdemir_2013, Ozanturk_2015). One ClinVar submitter (evaluation after 2014) cites the variant as uncertain significance. Based on the evidence outlined above, the variant was classified as benign.

Dr. Peter K. Rogan Lab, Western University
No classification provided (evidence only). Condition: Familial cancer of breast. Review status: no classification provided. Collection method: in vitro. Allele origin: not applicable. Functional consequence: retained intron. Not counted in ClinVar's aggregate classification.

Dr. Peter K. Rogan Lab, Western University
No classification provided (evidence only). Condition: Familial cancer of breast. Review status: no classification provided. Collection method: in vitro. Allele origin: not applicable. Functional consequence: retained intron. Not counted in ClinVar's aggregate classification.

Dr. Peter K. Rogan Lab, Western University
No classification provided (evidence only). Condition: Malignant lymphoma, large B-cell, diffuse. Review status: no classification provided. Collection method: in vitro. Allele origin: not applicable. Functional consequence: retained intron. Not counted in ClinVar's aggregate classification.

Dr. Peter K. Rogan Lab, Western University
No classification provided (evidence only). Condition: Uterine corpus endometrial carcinoma. Review status: no classification provided. Collection method: in vitro. Allele origin: not applicable. Functional consequence: retained intron. Not counted in ClinVar's aggregate classification.

Dr. Peter K. Rogan Lab, Western University
No classification provided (evidence only). Condition: Malignant tumor of esophagus. Review status: no classification provided. Collection method: in vitro. Allele origin: not applicable. Functional consequence: retained intron. Not counted in ClinVar's aggregate classification.

Literature cited by the submitters: PubMed 25296579 (cited by Women's Health and Genetics/Laboratory Corporation of America, LabCorp); PubMed 22533542 (cited by Women's Health and Genetics/Laboratory Corporation of America, LabCorp).